The following is an entry in ClinVar:

NM_000069.3(CACNA1S):c.883A>T (p.Thr295Ser)

Gene: CACNA1S (calcium voltage-gated channel subunit alpha1 S; minus strand). Cytogenetic location: 1q32.1.
Variant type: single nucleotide variant.
Coding change: c.883A>T on transcript NM_000069.3 (MANE Select); coding-DNA position 883, A replaced by T.
Protein change: p.Thr295Ser; replaces threonine 295 with serine.
Molecular consequence: missense variant.
Genome position (GRCh38, 1-based): chr1:201,089,275, T>A on the plus strand (A>T on the coding strand, the complement: CACNA1S is on the minus strand). VCF-style: chr1-201089275-T-A. GRCh37 (hg19) VCF-style: chr1-201058403-T-A.
Other names: short protein forms T295S.
Identifiers: ClinVar variation 5033622 (VCV005033622.1).

ClinVar aggregate classification (germline): Uncertain significance (1 of 4 stars; one submission).

Conditions:
Inborn genetic diseases. Identifiers: MedGen C0950123, MeSH D030342.

Submission:

Ambry Genetics
Classification: Uncertain significance for Inborn genetic diseases. Last evaluated: 2026-07-06. Review status: criteria provided, single submitter. Criteria: Ambry Variant Classification Scheme 2023. Collection method: clinical testing. Allele origin: germline.
Comment: The p.T295S variant (also known as c.883A>T), located in coding exon 6 of the CACNA1S gene, results from an A to T substitution at nucleotide position 883. The threonine at codon 295 is replaced by serine, an amino acid with similar properties. This amino acid position is conserved. In addition, this alteration is predicted to be deleterious by in silico analysis. Based on the available evidence, the clinical significance of this variant remains unclear.